The following is an entry in ClinVar:

NM_001242896.3(DEPDC5):c.4207C>T (p.Gln1403Ter)

Gene: DEPDC5 (DEP domain containing 5, GATOR1 subcomplex subunit; plus strand). Cytogenetic location: 22q12.3.
Variant type: single nucleotide variant.
Coding change: c.4207C>T on transcript NM_001242896.3 (MANE Select); coding-DNA position 4207, C replaced by T.
Protein change: p.Gln1403Ter; replaces glutamine 1403 with a stop codon.
Molecular consequence: nonsense. On other transcripts: non-coding transcript variant (5).
Genome position (GRCh38, 1-based): chr22:31,897,485, C>T. VCF-style: chr22-31897485-C-T. GRCh37 (hg19) VCF-style: chr22-32293471-C-T.
Other names: c.4180C>T, p.Gln1394Ter (NM_001136029.4); c.3907C>T, p.Gln1303Ter (NM_001242897.2); c.4141C>T, p.Gln1381Ter (NM_001363852.2, NM_001364320.2); c.3973C>T, p.Gln1325Ter (NM_001363854.2, NM_001364319.2); c.4207C>T, p.Gln1403Ter (NM_001364318.2); c.4123C>T, p.Gln1375Ter (NM_001369901.1, NM_001369902.1); c.4114C>T, p.Gln1372Ter (NM_001369903.1, NM_014662.6); short protein forms Q1372*, Q1381*, Q1403*, Q1303*, Q1394*, Q1325*, Q1375*.
Identifiers: ClinVar variation 664598 (VCV000664598.8), dbSNP rs1602903591, ClinGen allele CA411288008.

ClinVar aggregate classification (germline): Pathogenic (1 of 4 stars; one submission).

Conditions:
Familial focal epilepsy with variable foci (FPEVF). Identifiers: Orphanet 98820, MedGen C1858477, MONDO:0020310.

Submission:

Labcorp Genetics (formerly Invitae), Labcorp
Classification: Pathogenic for Familial focal epilepsy with variable foci. Last evaluated: 2019-07-03. Review status: criteria provided, single submitter. Criteria: Invitae Variant Classification Sherloc (09022015). Collection method: clinical testing. Allele origin: germline.
Comment: This sequence change creates a premature translational stop signal (p.Gln1403*) in the DEPDC5 gene. It is expected to result in an absent or disrupted protein product. This variant is not present in population databases (ExAC no frequency). This variant has not been reported in the literature in individuals with DEPDC5-related disease. Loss-of-function variants in DEPDC5 are known to be pathogenic (PMID: 23542697, 23542701). For these reasons, this variant has been classified as Pathogenic.

Literature cited by the submitters: PubMed 23542697; PubMed 23542701.